The following is an entry in ClinVar:

NM_000885.6(ITGA4):c.*2381C>A

Genes: CERKL (CERK like autophagy regulator; minus strand), ITGA4 (integrin subunit alpha 4; plus strand). Cytogenetic location: 2q31.3.
Variant type: single nucleotide variant.
Coding change: c.*2381C>A on transcript NM_000885.6 (MANE Select); 2381 bases downstream of the stop codon, C replaced by A.
Molecular consequence: 3 prime UTR variant. On other transcripts: non-coding transcript variant (2).
Genome position (GRCh38, 1-based): chr2:181,537,908, C>A. VCF-style: chr2-181537908-C-A. GRCh37 (hg19) VCF-style: chr2-182402635-C-A.
Other names: c.*276G>T (NM_001030311.3, NM_001030312.3, NM_001030313.3 and 2 more transcripts).
Identifiers: ClinVar variation 332999 (VCV000332999.30), dbSNP rs72883650, ClinGen allele CA2010311.

ClinVar aggregate classification (germline): Conflicting classifications of pathogenicity. Review status: criteria provided, conflicting classifications (1 of 4 stars). 3 submissions from 3 submitters: Uncertain significance (2); Likely benign (1). Last evaluated 2023-06-01.

Conditions:
Retinitis pigmentosa (RP). Identifiers: Orphanet 791, MedGen C0035334, MeSH D012174, MONDO:0019200, OMIM 268000. Inheritance: Autosomal dominant, autosomal recessive and X linked inheritance.

Allele frequency attached by ClinVar (database versions not stated): ExAC 0.00321; 1000 Genomes Project 0.00339; 1000 Genomes Project 30x 0.00390; TOPMed 0.00444; gnomAD 0.00503.
gnomAD v4.1: 2,803 of 570,016 alleles (0.49%); highest among the groups gnomAD compares: Non-Finnish European, 0.71%; 18 homozygotes.

Submissions (3):

CeGaT Center for Human Genetics Tuebingen
Classification: Likely benign. Last evaluated: 2023-06-01. Review status: criteria provided, single submitter. Criteria: CeGaT Center For Human Genetics Tuebingen Variant Classification Criteria Version 2. Collection method: clinical testing. Allele origin: germline. Affected: yes. Observed: 1 variant allele.
Comment: CERKL: BS2; ITGA4: BS2

Illumina Laboratory Services, Illumina
Classification: Uncertain significance for Retinitis pigmentosa. Last evaluated: 2018-01-13. Review status: criteria provided, single submitter. Criteria: ICSL Variant Classification Criteria 13 December 2019. Collection method: clinical testing. Allele origin: germline.

Breakthrough Genomics
Classification: Uncertain significance. Review status: criteria provided, single submitter. Criteria: ACMG Guidelines, 2015. Collection method: not provided. Allele origin: germline. Inheritance: Autosomal recessive inheritance. Affected: yes.